The following is an entry in ClinVar:

NM_000179.3(MSH6):c.3930_3973dup (p.Lys1325fs)

Gene: MSH6 (mutS homolog 6; plus strand). Cytogenetic location: 2p16.3.
Variant type: Duplication.
Coding change: c.3930_3973dup on transcript NM_000179.3 (MANE Select); coding-DNA positions 3930 to 3973, 44 bases duplicated.
Protein change: p.Lys1325fs; shifts the reading frame from lysine 1325.
Molecular consequence: frameshift variant. On other transcripts: nonsense (1), non-coding transcript variant (5), intron variant (1).
Genome position (GRCh38, 1-based): chr2:47,806,580-47,806,623, 44 bases duplicated; duplicating any 44 consecutive bases within chr2:47,806,577-47,806,623 gives the same sequence; the c. name uses the placement nearest the transcript's 3' end. GRCh37 (hg19): chr2:48,033,719-48,033,762.
Other names: c.3540_3583dup, p.Lys1195fs (NM_001281492.2); c.3024_3067dup, p.Lys1023fs (NM_001281493.2, NM_001281494.2, NM_001406811.1 and 6 more transcripts); c.4026_4069dup, p.Lys1357fs (NM_001406795.1); c.3930_3973dup, p.Lys1325fs (NM_001406796.1, NM_001406808.1, NM_001406809.1); c.3633_3676dup, p.Lys1226fs (NM_001406797.1, NM_001406801.1, NM_001406805.1 and 10 more transcripts); c.3756_3799dup, p.Lys1267fs (NM_001406798.1); c.3405_3448dup, p.Lys1150fs (NM_001406799.1, NM_001406806.1, NM_001406807.1); c.3917_3960dup, p.Arg1321delinsGlySerTyrSerLysGlyThrTer (NM_001406800.1); and 9 more; short protein forms K1037fs, K1195fs, K1327fs, K1357fs, K252fs, K1150fs, K1226fs, K1269fs.
Identifiers: ClinVar variation 4731951 (VCV004731951.1).
Genomic context (GRCh38, chr2:47,806,576, plus strand): 5'-TCATTAAGGGAGCTTGTCCTAAAAGCTATGGCTTTAATGCAGCAAGGCTTGCTAATCTCC[C>CAGAGGAAGTTATTCAAAAGGGACATAGAAAAGCAAGAGAATTTG]AGAGGAAGTTATTCAAAAGGGACATAGAAAAGCAAGAGAATTTGAGAAGATGAATCAGTC-3'

ClinVar aggregate classification (germline): Pathogenic (1 of 4 stars; one submission).

Conditions:
Hereditary nonpolyposis colorectal neoplasms. Identifiers: MedGen C0009405, MeSH D003123.

Submission:

Labcorp Genetics (formerly Invitae), Labcorp
Classification: Pathogenic for Hereditary nonpolyposis colorectal neoplasms. Last evaluated: 2025-11-25. Review status: criteria provided, single submitter. Criteria: Invitae Variant Classification Sherloc (09022015). Collection method: clinical testing. Allele origin: germline.
Comment: This sequence change creates a premature translational stop signal (p.Lys1325Argfs*17) in the MSH6 gene. While this is not anticipated to result in nonsense mediated decay, it is expected to disrupt the last 36 amino acid(s) of the MSH6 protein. This variant is not present in population databases (gnomAD no frequency). This variant has not been reported in the literature in individuals affected with MSH6-related conditions. This variant disrupts a region of the MSH6 protein in which other variant(s) (p.Arg1334Ilefs*8) have been determined to be pathogenic (PMID: 10508506, 15236168, 21836479). This suggests that this is a clinically significant region of the protein, and that variants that disrupt it are likely to be disease-causing. For these reasons, this variant has been classified as Pathogenic.

Literature cited by the submitters: PubMed 10508506; PubMed 15236168; PubMed 21836479.